The following is an entry in ClinVar:

ClinVar aggregate classification (germline): Uncertain significance. Review status: criteria provided, multiple submitters, no conflicts (2 of 4 stars). 2 submissions from 2 submitters: Uncertain significance (2). Last evaluated 2025-07-07.

Conditions:
Long QT syndrome (LQTS). Identifiers: MedGen C0023976, MeSH D008133, MONDO:0002442. Disease mechanism: loss of function. Inheritance: Various modes of inheritance.
Cardiac arrhythmia. Also called: Cardiac rhythm disease; Arrhythmia. Identifiers: MedGen C0003811, MONDO:0007263, HP:0011675.

gnomAD v4.1: 7 of 1,613,958 alleles (0.00043%); highest among the groups gnomAD compares: East Asian, 0.0022%; no homozygotes.

Submissions (2):

Color Diagnostics, LLC DBA Color Health
Classification: Uncertain significance for Cardiac arrhythmia. Last evaluated: 2025-07-07. Review status: criteria provided, single submitter. Criteria: ACMG Guidelines, 2015. Collection method: clinical testing. Allele origin: germline.
Comment: This missense variant replaces alanine with threonine at codon 715 of the KCNH2 protein. Computational prediction is inconclusive regarding the impact of this variant on protein structure and function. To our knowledge, functional studies have not been reported for this variant. This variant has not been reported in individuals affected with KCNH2-related disorders in the literature. This variant has been identified in 1/31398 chromosomes in the general population by the Genome Aggregation Database (gnomAD). The available evidence is insufficient to determine the role of this variant in disease conclusively. Therefore, this variant is classified as a Variant of Uncertain Significance.

Labcorp Genetics (formerly Invitae), Labcorp
Classification: Uncertain significance for Long QT syndrome. Last evaluated: 2025-06-09. Review status: criteria provided, single submitter. Criteria: Invitae Variant Classification Sherloc (09022015). Collection method: clinical testing. Allele origin: germline.
Comment: This sequence change replaces alanine, which is neutral and non-polar, with threonine, which is neutral and polar, at codon 715 of the KCNH2 protein (p.Ala715Thr). This variant is present in population databases (no rsID available, gnomAD 0.06%). This variant has not been reported in the literature in individuals affected with KCNH2-related conditions. An algorithm developed to predict the effect of missense changes on protein structure and function (PolyPhen-2) suggests that this variant is likely to be tolerated. In summary, the available evidence is currently insufficient to determine the role of this variant in disease. Therefore, it has been classified as a Variant of Uncertain Significance.

NM_000238.4(KCNH2):c.2143G>A (p.Ala715Thr)

Gene: KCNH2 (potassium voltage-gated channel subfamily H member 2; minus strand). Cytogenetic location: 7q36.1.
Variant type: single nucleotide variant.
Coding change: c.2143G>A on transcript NM_000238.4 (MANE Select); coding-DNA position 2143, G replaced by A.
Protein change: p.Ala715Thr; replaces alanine 715 with threonine.
Molecular consequence: missense variant. On other transcripts: non-coding transcript variant (2).
Genome position (GRCh38, 1-based): chr7:150,950,923, C>T on the plus strand (G>A on the coding strand, the complement: KCNH2 is on the minus strand). VCF-style: chr7-150950923-C-T. GRCh37 (hg19) VCF-style: chr7-150648011-C-T.
Other names: c.1123G>A, p.Ala375Thr (NM_001204798.2, NM_172057.3); c.1855G>A, p.Ala619Thr (NM_001406753.1, NM_001406756.1); c.1966G>A, p.Ala656Thr (NM_001406755.1); c.1843G>A, p.Ala615Thr (NM_001406757.1); c.2143G>A, p.Ala715Thr (NM_172056.3); short protein forms A375T, A615T, A619T, A656T, A715T.
Identifiers: ClinVar variation 4758388 (VCV004758388.2).